The following is an entry in ClinVar:

ClinVar aggregate classification (germline): Uncertain significance. Review status: criteria provided, multiple submitters, no conflicts (2 of 4 stars). 3 submissions from 3 submitters: Uncertain significance (3). Last evaluated 2023-03-01.

Conditions:
Thrombophilia, X-linked, due to factor 8 defect. Also called: THROMBOPHILIA, X-LINKED, DUE TO FACTOR VIII DEFECT; Thrombophilia 13, X-linked, due to factor VIII defect. Identifiers: MedGen C5676879, MONDO:0859082, OMIM 301071.
Hereditary factor VIII deficiency disease (HEMA). Also called: HEMOPHILIA, CLASSIC; AUTOSOMAL HEMOPHILIA A; Hemophilia A; Hemophilia A, congenital; HEM A; Factor 8 deficiency, congenital. Identifiers: Orphanet 98878, MedGen C0019069, MONDO:0010602, OMIM 306700.
Inborn genetic diseases. Identifiers: MedGen C0950123, MeSH D030342.

Allele frequency attached by ClinVar (database versions not stated): ExAC 0.00001; gnomAD 0.00001; gnomAD exomes 0.00001 and 0.00002; TOPMed 0.00002.
gnomAD v4.1: 14 of 1,197,147 alleles (0.0012%); highest among the groups gnomAD compares: South Asian, 0.015%; no homozygotes.

Submissions (3):

Ambry Genetics
Classification: Uncertain significance for Inborn genetic diseases. Last evaluated: 2023-03-01. Review status: criteria provided, single submitter. Criteria: Ambry Variant Classification Scheme 2023. Collection method: clinical testing. Allele origin: germline.

Fulgent Genetics
Classification: Uncertain significance for Thrombophilia, X-linked, due to factor 8 defect; Hereditary factor VIII deficiency disease. Last evaluated: 2021-07-06. Review status: criteria provided, single submitter. Criteria: ACMG Guidelines, 2015. Collection method: clinical testing. Allele origin: unknown.

GeneDx
Classification: Uncertain significance. Last evaluated: 2019-06-01. Review status: criteria provided, single submitter. Criteria: GeneDx Variant Classification Process June 2021. Collection method: clinical testing. Allele origin: germline. Affected: yes.
Comment: In silico analysis, which includes protein predictors and evolutionary conservation, supports that this variant does not alter protein structure/function; Has not been previously published as pathogenic or benign to our knowledge

NM_000132.4(F8):c.2732A>G (p.Asp911Gly)

Gene: F8 (coagulation factor VIII; minus strand). Cytogenetic location: Xq28.
Variant type: single nucleotide variant.
Coding change: c.2732A>G on transcript NM_000132.4 (MANE Select); coding-DNA position 2732, A replaced by G.
Protein change: p.Asp911Gly; replaces aspartic acid 911 with glycine.
Molecular consequence: missense variant.
Genome position (GRCh38, 1-based): chrX:154,931,058, T>C on the plus strand (A>G on the coding strand, the complement: F8 is on the minus strand). VCF-style: chrX-154931058-T-C. GRCh37 (hg19) VCF-style: chrX-154159333-T-C.
Other names: short protein forms D911G.
Identifiers: ClinVar variation 1303376 (VCV001303376.5), dbSNP rs782671808, ClinGen allele CA10568292.